The following is an entry in ClinVar:

ClinVar aggregate classification (germline): Likely benign (0 of 4 stars; one submission).

Conditions:
ADCY3-related disorder. Also called: ADCY3-related condition.

gnomAD v4.1: 1 of 1,613,990 alleles (0.000062%); highest among the groups gnomAD compares: African/African-American, 0.0013%; no homozygotes.

Submission:

PreventionGenetics, part of Exact Sciences
Classification: Likely benign for ADCY3-related condition. Last evaluated: 2024-08-09. Review status: no assertion criteria provided. Collection method: clinical testing. Allele origin: germline.
Comment: This variant is classified as likely benign based on ACMG/AMP sequence variant interpretation guidelines (Richards et al. 2015 PMID: 25741868, with internal and published modifications).

NM_004036.5(ADCY3):c.1419C>A (p.Gly473=)

Gene: ADCY3 (adenylate cyclase 3; minus strand). Cytogenetic location: 2p23.3.
Variant type: single nucleotide variant.
Coding change: c.1419C>A on transcript NM_004036.5 (MANE Select); coding-DNA position 1419, C replaced by A.
Protein change: p.Gly473=; no amino-acid change (glycine 473 retained).
Molecular consequence: synonymous variant.
Genome position (GRCh38, 1-based): chr2:24,838,559, G>T on the plus strand (C>A on the coding strand, the complement: ADCY3 is on the minus strand). VCF-style: chr2-24838559-G-T. GRCh37 (hg19) VCF-style: chr2-25061428-G-T.
Other names: c.1419C>A, p.Gly473= (NM_001320613.2, NM_001377129.1, NM_001377130.1 and 1 more transcripts); c.1485C>A, p.Gly495= (NM_001377128.1); c.696C>A, p.Gly232= (NM_001377131.1).
Identifiers: ClinVar variation 3348789 (VCV003348789.1).